The following is an entry in ClinVar:

ClinVar aggregate classification (germline): Pathogenic. Review status: criteria provided, multiple submitters, no conflicts (2 of 4 stars). 4 submissions from 4 submitters: Pathogenic (3). 1 of the submissions does not count toward it. Last evaluated 2023-12-05.

Conditions:
Mucolipidosis type II. Also called: Mucolipidosis 2; ML 2; Inclusion cell disease; Leroy Disease; N-acetylglucosamine 1phosphotransferase deficiency; ML disorder type 2. Identifiers: Orphanet 576, MedGen C2673377, MONDO:0009650, OMIM 252500.
Pseudo-Hurler polydystrophy. Also called: Type III Mucolipidosis; ML IIIA; Mucolipidosis III Alpha/Beta; MUCOLIPIDOSIS IIIA; ML III; ML III ALPHA/BETA. Identifiers: Orphanet 423461, Orphanet 577, MedGen C0033788, MONDO:0018931, OMIM 252600.

Allele frequency attached by ClinVar (database versions not stated): gnomAD exomes below 0.00001.
gnomAD v4.1: 1 of 1,614,196 alleles (0.000062%); highest among the groups gnomAD compares: Non-Finnish European, 0.000085%; no homozygotes.

Submissions (4):

GeneDx
Classification: Pathogenic. Last evaluated: 2023-12-05. Review status: criteria provided, single submitter. Criteria: GeneDx Variant Classification Process June 2021. Collection method: clinical testing. Allele origin: germline. Affected: yes.
Comment: Published functional studies demonstrate retention in the endoplasmic reticulum and loss of catalytic activity (PMID: 25788519); Not observed at significant frequency in large population cohorts (gnomAD); In silico analysis supports that this missense variant has a deleterious effect on protein structure/function; This variant is associated with the following publications: (PMID: 31589614, 19659762, 28649523, 25788519, 23566849, 25505245)

Labcorp Genetics (formerly Invitae), Labcorp
Classification: Pathogenic for Pseudo-Hurler polydystrophy; Mucolipidosis type II. Last evaluated: 2022-08-10. Review status: criteria provided, single submitter. Criteria: Invitae Variant Classification Sherloc (09022015). Collection method: clinical testing. Allele origin: germline.
Comment: Advanced modeling of protein sequence and biophysical properties (such as structural, functional, and spatial information, amino acid conservation, physicochemical variation, residue mobility, and thermodynamic stability) performed at Invitae indicates that this missense variant is expected to disrupt GNPTAB protein function. This sequence change replaces isoleucine, which is neutral and non-polar, with threonine, which is neutral and polar, at codon 403 of the GNPTAB protein (p.Ile403Thr). This variant is present in population databases (rs281864973, gnomAD 0.0009%). This missense change has been observed in individual(s) with clinical features of mucolipdosis III alpha/beta (PMID: 19659762, 23566849, 28649523). In at least one individual the data is consistent with being in trans (on the opposite chromosome) from a pathogenic variant. ClinVar contains an entry for this variant (Variation ID: 39026). Experimental studies have shown that this missense change affects GNPTAB function (PMID: 25505245, 25788519). For these reasons, this variant has been classified as Pathogenic.

Mendelics
Classification: Pathogenic for Mucolipidosis type II. Last evaluated: 2022-05-04. Review status: criteria provided, single submitter. Criteria: Mendelics Assertion Criteria 2019. Collection method: clinical testing. Allele origin: germline.

GeneReviews
No classification provided. Condition: Pseudo-Hurler polydystrophy. Review status: no classification provided. Collection method: literature only. Allele origin: unknown. Not counted in ClinVar's aggregate classification.

Literature cited by the submitters: PubMed 19659762 (cited by Labcorp Genetics (formerly Invitae), Labcorp); PubMed 23566849 (cited by Labcorp Genetics (formerly Invitae), Labcorp); PubMed 28649523 (cited by Labcorp Genetics (formerly Invitae), Labcorp); PubMed 25505245 (cited by Labcorp Genetics (formerly Invitae), Labcorp); PubMed 25788519 (cited by Labcorp Genetics (formerly Invitae), Labcorp); PubMed 19634183 (cited by GeneReviews); PubMed 20301728 (cited by GeneReviews); NCBI Bookshelf NBK1828 (cited by GeneReviews).

NM_024312.5(GNPTAB):c.1208T>C (p.Ile403Thr)

Gene: GNPTAB (N-acetylglucosamine-1-phosphate transferase subunits alpha and beta; minus strand). Cytogenetic location: 12q23.2.
Variant type: single nucleotide variant.
Coding change: c.1208T>C on transcript NM_024312.5 (MANE Select); coding-DNA position 1208, T replaced by C.
Protein change: p.Ile403Thr; replaces isoleucine 403 with threonine.
Molecular consequence: missense variant.
Genome position (GRCh38, 1-based): chr12:101,770,097, A>G on the plus strand (T>C on the coding strand, the complement: GNPTAB is on the minus strand). VCF-style: chr12-101770097-A-G. GRCh37 (hg19) VCF-style: chr12-102163875-A-G.
Other names: short protein forms I403T.
Identifiers: ClinVar variation 39026 (VCV000039026.10), dbSNP rs281864973, ClinGen allele CA343340.
Genomic context (GRCh38, chr12:101,770,097, plus strand): 5'-TGACTGTAAAAATCATCTGGCCAGACATCCTTCCCAAACATGACATCATCATTTAGGTAA[A>G]TAAACTTCTGGGACAGCCCTTCGATGCGATGAATGTGACTTTCAATAGCAGGTGAACTAA-3'
Protein context (NP_077288.2, residues 393-413): HRIEGLSQKF[Ile403Thr]YLNDDVMFGK